The following is an entry in ClinVar:

NM_001466.4(FZD2):c.1514C>T (p.Pro505Leu)

Gene: FZD2 (frizzled class receptor 2; plus strand). Cytogenetic location: 17q21.31.
Variant type: single nucleotide variant.
Coding change: c.1514C>T on transcript NM_001466.4 (MANE Select); coding-DNA position 1514, C replaced by T.
Protein change: p.Pro505Leu; replaces proline 505 with leucine.
Molecular consequence: missense variant.
Genome position (GRCh38, 1-based): chr17:44,559,202, C>T. VCF-style: chr17-44559202-C-T. GRCh37 (hg19) VCF-style: chr17-42636570-C-T.
Other names: short protein forms P505L.
Identifiers: ClinVar variation 3605266 (VCV003605266.2).

ClinVar aggregate classification (germline): Uncertain significance (1 of 4 stars; one submission).

Submission:

Labcorp Genetics (formerly Invitae), Labcorp
Classification: Uncertain significance. Last evaluated: 2024-04-26. Review status: criteria provided, single submitter. Criteria: Invitae Variant Classification Sherloc (09022015). Collection method: clinical testing. Allele origin: germline.
Comment: This sequence change replaces proline, which is neutral and non-polar, with leucine, which is neutral and non-polar, at codon 505 of the FZD2 protein (p.Pro505Leu). This variant is not present in population databases (gnomAD no frequency). This variant has not been reported in the literature in individuals affected with FZD2-related conditions. Advanced modeling of protein sequence and biophysical properties (such as structural, functional, and spatial information, amino acid conservation, physicochemical variation, residue mobility, and thermodynamic stability) performed at Invitae indicates that this missense variant is not expected to disrupt FZD2 protein function with a negative predictive value of 80%. In summary, the available evidence is currently insufficient to determine the role of this variant in disease. Therefore, it has been classified as a Variant of Uncertain Significance.